The following is an entry in ClinVar:

ClinVar aggregate classification (germline): Uncertain significance. Review status: criteria provided, multiple submitters, no conflicts (2 of 4 stars). 3 submissions from 3 submitters: Uncertain significance (3). Last evaluated 2022-04-16.

Conditions:
Bethlem myopathy 1A. Also called: Bethlem Muscular Dystrophy; MYOPATHY, BENIGN CONGENITAL, WITH CONTRACTURES; Bethlem myopathy 1. Identifiers: Orphanet 610, MedGen CN029274, MONDO:0024530, OMIM 158810.

Submissions (3):

Labcorp Genetics (formerly Invitae), Labcorp
Classification: Uncertain significance for Bethlem myopathy 1A. Last evaluated: 2022-04-16. Review status: criteria provided, single submitter. Criteria: Invitae Variant Classification Sherloc (09022015). Collection method: clinical testing. Allele origin: germline.
Comment: In summary, the available evidence is currently insufficient to determine the role of this variant in disease. Therefore, it has been classified as a Variant of Uncertain Significance. Advanced modeling of protein sequence and biophysical properties (such as structural, functional, and spatial information, amino acid conservation, physicochemical variation, residue mobility, and thermodynamic stability) performed at Invitae indicates that this missense variant is expected to disrupt COL6A2 protein function. ClinVar contains an entry for this variant (Variation ID: 498007). This variant has not been reported in the literature in individuals affected with COL6A2-related conditions. This variant is not present in population databases (gnomAD no frequency). This sequence change replaces histidine, which is basic and polar, with arginine, which is basic and polar, at codon 667 of the COL6A2 protein (p.His667Arg).

Revvity Omics, Revvity
Classification: Uncertain significance. Last evaluated: 2020-02-19. Review status: criteria provided, single submitter. Criteria: ACMG Guidelines, 2015. Collection method: clinical testing. Allele origin: germline.

Eurofins Ntd Llc (ga)
Classification: Uncertain significance. Last evaluated: 2018-07-31. Review status: criteria provided, single submitter. Criteria: EGL ClinVar v180209 classification definitions. Collection method: clinical testing. Allele origin: germline. Observed: 1 variant allele, 1 heterozygote.

NM_001849.4(COL6A2):c.2000A>G (p.His667Arg)

Gene: COL6A2 (collagen type VI alpha 2 chain; plus strand). Cytogenetic location: 21q22.3.
Variant type: single nucleotide variant.
Coding change: c.2000A>G on transcript NM_001849.4 (MANE Select); coding-DNA position 2000, A replaced by G.
Protein change: p.His667Arg; replaces histidine 667 with arginine.
Molecular consequence: missense variant.
Genome position (GRCh38, 1-based): chr21:46,125,815, A>G. VCF-style: chr21-46125815-A-G. GRCh37 (hg19) VCF-style: chr21-47545729-A-G.
Other names: c.2000A>G (NM_001849.3); c.2000A>G, p.His667Arg (NM_058174.3, NM_058175.3); short protein forms H667R.
Identifiers: ClinVar variation 498007 (VCV000498007.12), dbSNP rs1245904841, ClinGen allele CA410539694.
Genomic context (GRCh38, chr21:46,125,815, plus strand): 5'-TGGCAACGACCTCACGCGTGCGGCTTGCAGGGACGCGTGTGGGCGTGGTGCAGTACAGCC[A>G]CGAGGGCACCTTTGAGGCCATCCAGCTGGACGACGAACGTATCGACTCCCTGTCGAGCTT-3'
Protein context (NP_001840.3, residues 657-677): GTRVGVVQYS[His667Arg]EGTFEAIQLD